The following is an entry in ClinVar:

NM_000038.6(APC):c.1360A>G (p.Met454Val)

Gene: APC (APC regulator of Wnt signaling pathway; plus strand). Cytogenetic location: 5q22.2.
Variant type: single nucleotide variant.
Coding change: c.1360A>G on transcript NM_000038.6 (MANE Select); coding-DNA position 1360, A replaced by G.
Protein change: p.Met454Val; replaces methionine 454 with valine.
Molecular consequence: missense variant. On other transcripts: non-coding transcript variant (2).
Genome position (GRCh38, 1-based): chr5:112,821,943, A>G. VCF-style: chr5-112821943-A-G. GRCh37 (hg19) VCF-style: chr5-112157640-A-G.
Other names: c.1360A>G, p.Met454Val (NM_001127510.3, NM_001354895.2, NM_001354896.2 and 4 more transcripts); c.1306A>G, p.Met436Val (NM_001127511.3); c.1390A>G, p.Met464Val (NM_001354897.2, NM_001407446.1); c.1285A>G, p.Met429Val (NM_001354898.2, NM_001407451.1); c.1276A>G, p.Met426Val (NM_001354899.2, NM_001407452.1); c.1183A>G, p.Met395Val (NM_001354900.2, NM_001354901.2, NM_001407453.1); c.1087A>G, p.Met363Val (NM_001354902.2); c.1057A>G, p.Met353Val (NM_001354903.2, NM_001407454.1, NM_001407455.1 and 5 more transcripts); and 5 more; short protein forms M325V, M426V, M429V, M353V, M363V, M454V, M294V, M436V.
Identifiers: ClinVar variation 3642270 (VCV003642270.2).
Genomic context (GRCh38, chr5:112,821,943, plus strand): 5'-TTTTATTTTTCAGTGCCAGCTCCTGTTGAACATCAGATCTGTCCTGCTGTGTGTGTTCTA[A>G]TGAAACTTTCATTTGATGAAGAGCATAGACATGCAATGAATGAACTAGGTAAGACAAAAA-3'
Protein context (NP_000029.2, residues 444-464): HQICPAVCVL[Met454Val]KLSFDEEHRH

ClinVar aggregate classification (germline): Uncertain significance (1 of 4 stars; one submission).

Conditions:
Familial adenomatous polyposis 1 (FAP1). Also called: FAMILIAL ADENOMATOUS POLYPOSIS 1, ATTENUATED; POLYPOSIS, ADENOMATOUS INTESTINAL. Identifiers: MedGen C2713442, MONDO:0021056, OMIM 175100. Disease mechanism: loss of function.

Submission:

Labcorp Genetics (formerly Invitae), Labcorp
Classification: Uncertain significance for Familial adenomatous polyposis 1. Last evaluated: 2024-05-07. Review status: criteria provided, single submitter. Criteria: Invitae Variant Classification Sherloc (09022015). Collection method: clinical testing. Allele origin: germline.
Comment: This sequence change replaces methionine, which is neutral and non-polar, with valine, which is neutral and non-polar, at codon 454 of the APC protein (p.Met454Val). This variant is not present in population databases (gnomAD no frequency). This variant has not been reported in the literature in individuals affected with APC-related conditions. Advanced modeling of protein sequence and biophysical properties (such as structural, functional, and spatial information, amino acid conservation, physicochemical variation, residue mobility, and thermodynamic stability) performed at Invitae indicates that this missense variant is not expected to disrupt APC protein function with a negative predictive value of 95%. In summary, the available evidence is currently insufficient to determine the role of this variant in disease. Therefore, it has been classified as a Variant of Uncertain Significance.